The following is an entry in ClinVar:

ClinVar aggregate classification (germline): Pathogenic. Review status: reviewed by expert panel (3 of 4 stars). 4 submissions from 4 submitters: Pathogenic (1). 3 of the submissions do not count toward it. Last evaluated 2016-09-08.

Conditions:
Hereditary breast ovarian cancer syndrome. Also called: Hereditary breast and ovarian cancer syndrome; Hereditary breast and ovarian cancer; Hereditary breast and ovarian cancer syndrome (HBOC); Breast and ovarian cancer; Hereditary breast and/or ovarian cancer syndrome; BRCA1- and BRCA2-Associated Hereditary Breast and Ovarian Cancer. Identifiers: Orphanet 145, MedGen C0677776, MeSH D061325, MONDO:0003582. Disease mechanism: loss of function.
Breast-ovarian cancer, familial, susceptibility to, 2 (BROVCA2). Also called: BRCA2 Hereditary Breast and Ovarian Cancer. Identifiers: Orphanet 145, MedGen C2675520, MONDO:0012933, OMIM 612555. Disease mechanism: loss of function.

Submissions (4):

Evidence-based Network for the Interpretation of Germline Mutant Alleles (ENIGMA)
Classification: Pathogenic for Breast-ovarian cancer, familial, susceptibility to, 2. Last evaluated: 2016-09-08. Review status: reviewed by expert panel. Criteria: ENIGMA BRCA1/2 Classification Criteria (2015). Collection method: curation. Allele origin: germline.
Comment: Variant allele predicted to encode a truncated non-functional protein.

Labcorp Genetics (formerly Invitae), Labcorp
Classification: Pathogenic for Hereditary breast ovarian cancer syndrome. Last evaluated: 2025-09-28. Review status: criteria provided, single submitter. Criteria: Invitae Variant Classification Sherloc (09022015). Collection method: clinical testing. Allele origin: germline. Not counted in ClinVar's aggregate classification.
Comment: This sequence change creates a premature translational stop signal (p.Phe1127Leufs*23) in the BRCA2 gene. It is expected to result in an absent or disrupted protein product. Loss-of-function variants in BRCA2 are known to be pathogenic (PMID: 20104584). This variant is not present in population databases (gnomAD no frequency). This premature translational stop signal has been observed in individual(s) with BRCA2-related conditions (PMID: 22425665, 32438681). ClinVar contains an entry for this variant (Variation ID: 51456). For these reasons, this variant has been classified as Pathogenic.

Women's Health and Genetics/Laboratory Corporation of America, LabCorp
Classification: Pathogenic for Hereditary breast and ovarian cancer syndrome. Last evaluated: 2020-04-06. Review status: criteria provided, single submitter. Criteria: LabCorp Variant Classification Summary - May 2015. Collection method: clinical testing. Allele origin: germline. Not counted in ClinVar's aggregate classification.
Comment: Variant summary: BRCA2 c.3381delT (p.Phe1127LeufsX23) results in a premature termination codon, predicted to cause a truncation of the encoded protein or absence of the protein due to nonsense mediated decay, which are commonly known mechanisms for disease. Truncations downstream of this position have been classified as pathogenic by our laboratory. The variant was absent in 249982 control chromosomes (gnomAD). c.3381delT has been reported in the literature in individuals affected with Hereditary Breast and Ovarian Cancer (e.g. de Juan Jimenez_2013, Tazzite_2012). These data indicate that the variant is likely associated with disease. To our knowledge, no experimental evidence demonstrating an impact on protein function has been reported. An expert panel (ENIGMA) (evaluation after 2014) cites the variant as pathogenic in ClinVar. Based on the evidence outlined above, the variant was classified as pathogenic.

Breast Cancer Information Core (BIC) (BRCA2)
Classification: Pathogenic for Breast-ovarian cancer, familial 2. Last evaluated: 2012-05-24. Review status: no assertion criteria provided. Collection method: clinical testing. Allele origin: germline. Affected: yes. Observed: 1 variant allele. Not counted in ClinVar's aggregate classification.

Literature cited by the submitters: PubMed 20104584 (cited by Labcorp Genetics (formerly Invitae), Labcorp); PubMed 22425665 (cited by 3 submitters); PubMed 32438681 (cited by Labcorp Genetics (formerly Invitae), Labcorp); PubMed 23479189 (cited by Women's Health and Genetics/Laboratory Corporation of America, LabCorp).

NM_000059.4(BRCA2):c.3381del (p.Phe1127fs)

Gene: BRCA2 (BRCA2 DNA repair associated; plus strand). Cytogenetic location: 13q13.1.
Variant type: Deletion.
Coding change: c.3381del on transcript NM_000059.4 (MANE Select); coding-DNA position 3381, one base deleted (T; older notation c.3381delT).
Protein change: p.Phe1127fs; shifts the reading frame from phenylalanine 1127.
Molecular consequence: frameshift variant.
Genome position (GRCh38, 1-based): chr13:32,337,736, T deleted; the last of 3 consecutive T bases (chr13:32,337,734-32,337,736); deleting any one gives the same sequence. VCF-style (leftmost placement, unchanged base first): chr13-32337733-AT-A. GRCh37 (hg19) VCF-style: chr13-32911870-AT-A.
Other names: 3609delT; c.3381delT (NM_000059.3); short protein forms F1127fs.
Identifiers: ClinVar variation 51456 (VCV000051456.6), dbSNP rs397507666, ClinGen allele CA017889.